The following is an entry in ClinVar:

NM_004329.3(BMPR1A):c.1320G>A (p.Met440Ile)

Gene: BMPR1A (bone morphogenetic protein receptor type 1A; plus strand). Cytogenetic location: 10q23.2.
Variant type: single nucleotide variant.
Coding change: c.1320G>A on transcript NM_004329.3 (MANE Select); coding-DNA position 1320, G replaced by A.
Protein change: p.Met440Ile; replaces methionine 440 with isoleucine.
Molecular consequence: missense variant.
Genome position (GRCh38, 1-based): chr10:86,921,673, G>A. VCF-style: chr10-86921673-G-A. GRCh37 (hg19) VCF-style: chr10-88681430-G-A.
Other names: short protein forms M440I.
Identifiers: ClinVar variation 529938 (VCV000529938.14), dbSNP rs1554891352, ClinGen allele CA377462399.

ClinVar aggregate classification (germline): Uncertain significance. Review status: criteria provided, multiple submitters, no conflicts (2 of 4 stars). 2 submissions from 2 submitters: Uncertain significance (2). Last evaluated 2026-08-18.

Conditions:
Hereditary cancer-predisposing syndrome. Also called: Hereditary Cancer Syndrome; Tumor predisposition; Hereditary neoplastic syndrome; Neoplastic Syndromes, Hereditary. Identifiers: Orphanet 140162, MedGen C0027672, MeSH D009386, MONDO:0015356.
Juvenile polyposis syndrome (JPS). Identifiers: Orphanet 2929, MedGen C0345893, MONDO:0017380, OMIM 174900.

Allele frequency attached by ClinVar (database versions not stated): gnomAD exomes below 0.00001; TOPMed below 0.00001.
gnomAD v4.1: 2 of 1,614,198 alleles (0.00012%); highest among the groups gnomAD compares: South Asian, 0.0011%; no homozygotes.

Submissions (2):

Ambry Genetics
Classification: Uncertain significance for Hereditary cancer-predisposing syndrome. Last evaluated: 2026-08-18. Review status: criteria provided, single submitter. Criteria: Ambry Variant Classification Scheme 2023. Collection method: clinical testing. Allele origin: germline.
Comment: The p.M440I variant (also known as c.1320G>A), located in coding exon 9 of the BMPR1A gene, results from a G to A substitution at nucleotide position 1320. The methionine at codon 440 is replaced by isoleucine, an amino acid with highly similar properties. This amino acid position is highly conserved in available vertebrate species. In addition, this alteration is predicted to be deleterious by in silico analysis. Based on the available evidence, the clinical significance of this variant remains unclear.

Labcorp Genetics (formerly Invitae), Labcorp
Classification: Uncertain significance for Juvenile polyposis syndrome. Last evaluated: 2025-09-17. Review status: criteria provided, single submitter. Criteria: Invitae Variant Classification Sherloc (09022015). Collection method: clinical testing. Allele origin: germline.
Comment: This sequence change replaces methionine, which is neutral and non-polar, with isoleucine, which is neutral and non-polar, at codon 440 of the BMPR1A protein (p.Met440Ile). This variant is not present in population databases (gnomAD no frequency). This variant has not been reported in the literature in individuals affected with BMPR1A-related conditions. ClinVar contains an entry for this variant (Variation ID: 529938). Invitae Evidence Modeling of protein sequence and biophysical properties (such as structural, functional, and spatial information, amino acid conservation, physicochemical variation, residue mobility, and thermodynamic stability) has been performed for this missense variant. However, the output from this modeling did not meet the statistical confidence thresholds required to predict the impact of this variant on BMPR1A protein function. In summary, the available evidence is currently insufficient to determine the role of this variant in disease. Therefore, it has been classified as a Variant of Uncertain Significance.